The following is an entry in ClinVar:

ClinVar aggregate classification (germline): Uncertain significance (1 of 4 stars; one submission).

Submission:

GeneDx
Classification: Uncertain significance. Last evaluated: 2023-01-31. Review status: criteria provided, single submitter. Criteria: GeneDx Variant Classification Process June 2021. Collection method: clinical testing. Allele origin: germline. Affected: yes.
Comment: Not observed at significant frequency in large population cohorts (gnomAD); In silico analysis supports that this missense variant does not alter protein structure/function; Has not been previously published as pathogenic or benign to our knowledge

NM_006035.4(CDC42BPB):c.4971T>G (p.Ser1657Arg)

Gene: CDC42BPB (CDC42 binding protein kinase beta; minus strand). Cytogenetic location: 14q32.32.
Variant type: single nucleotide variant.
Coding change: c.4971T>G on transcript NM_006035.4 (MANE Select); coding-DNA position 4971, T replaced by G.
Protein change: p.Ser1657Arg; replaces serine 1657 with arginine.
Molecular consequence: missense variant.
Genome position (GRCh38, 1-based): chr14:102,938,137, A>C on the plus strand (T>G on the coding strand, the complement: CDC42BPB is on the minus strand). VCF-style: chr14-102938137-A-C. GRCh37 (hg19) VCF-style: chr14-103404474-A-C.
Other names: c.4893T>G, p.Ser1631Arg (NM_001411054.1); short protein forms S1631R, S1657R.
Identifiers: ClinVar variation 2574342 (VCV002574342.1), dbSNP rs1026746039, ClinGen allele CA267130936.